The following is an entry in ClinVar:

NM_000051.4(ATM):c.6802_6807del (p.Thr2268_Gln2269del)

Genes: ATM (ATM serine/threonine kinase; plus strand), C11orf65 (chromosome 11 open reading frame 65; minus strand). Cytogenetic location: 11q22.3.
Variant type: Deletion.
Coding change: c.6802_6807del on transcript NM_000051.4 (MANE Select); coding-DNA positions 6802 to 6807, 6 bases deleted (ACTCAG; older notation c.6802_6807delACTCAG).
Protein change: p.Thr2268_Gln2269del.
Molecular consequence: inframe deletion. On other transcripts: inframe indel (1), intron variant (2).
Genome position (GRCh38, 1-based): chr11:108,325,539-108,325,544, ACTCAG deleted. VCF-style (leftmost placement, unchanged base first): chr11-108325538-CACTCAG-C. GRCh37 (hg19) VCF-style: chr11-108196265-CACTCAG-C.
Other names: c.6802_6807delACTCAG, p.Thr2268_Gln2269del (NM_000051.3); c.6802_6807del, p.Thr2268_Gln2269del (NM_001351834.2); c.641-16473_641-16468del (NM_001330368.2); c.*38+9676_*38+9681del (NM_001351110.2).
Identifiers: ClinVar variation 1331942 (VCV001331942.4), dbSNP rs2136319161, ClinGen allele CA2573053411.

ClinVar aggregate classification (germline): Uncertain significance (1 of 4 stars; one submission).

Conditions:
Hereditary cancer-predisposing syndrome. Also called: Tumor predisposition; Neoplastic Syndromes, Hereditary; Hereditary Cancer Syndrome; Hereditary neoplastic syndrome. Identifiers: Orphanet 140162, MedGen C0027672, MeSH D009386, MONDO:0015356.

Submission:

Color Diagnostics, LLC DBA Color Health
Classification: Uncertain significance for Hereditary cancer-predisposing syndrome. Last evaluated: 2021-07-19. Review status: criteria provided, single submitter. Criteria: ACMG Guidelines, 2015. Collection method: clinical testing. Allele origin: germline.
Comment: This variant deletes the last six nucleotides of exon 46 of the ATM gene and causes an in-frame deletion of two amino acids of the ATM protein. Splice site prediction tools suggest that this variant may impact RNA splicing, although this prediction has not been confirmed in published RNA studies. To our knowledge, functional studies have not been reported for this variant. This variant has not been reported in individuals affected with hereditary cancer in the literature. This variant has not been identified in the general population by the Genome Aggregation Database (gnomAD). The available evidence is insufficient to determine the role of this variant in disease conclusively. Therefore, this variant is classified as a Variant of Uncertain Significance.